The following is an entry in ClinVar:

ClinVar aggregate classification (germline): Conflicting classifications of pathogenicity. Review status: criteria provided, conflicting classifications (1 of 4 stars). 4 submissions from 4 submitters: Uncertain significance (3); Likely benign (1). Last evaluated 2026-05-18.

Conditions:
Hereditary cancer-predisposing syndrome. Also called: Hereditary Cancer Syndrome; Tumor predisposition; Hereditary neoplastic syndrome; Neoplastic Syndromes, Hereditary. Identifiers: Orphanet 140162, MedGen C0027672, MeSH D009386, MONDO:0015356.
Malignant tumor of urinary bladder. Also called: Urinary Bladder Neoplasms; Bladder cancer; Urinary bladder cancer. Identifiers: MedGen C0005684, MONDO:0001187, OMIM 109800.
Retinoblastoma (RB1). Also called: RETINOBLASTOMA, SOMATIC. Identifiers: Orphanet 790, MedGen C0035335, MeSH D012175, MONDO:0008380, OMIM 180200, HP:0009919. Disease mechanism: loss of function. Inheritance: Both sporadic and heritable forms are tested..

gnomAD v4.1: 1 of 1,613,448 alleles (0.000062%); highest among the groups gnomAD compares: African/African-American, 0.0013%; no homozygotes.

Submissions (4):

Ambry Genetics
Classification: Likely benign for Hereditary cancer-predisposing syndrome. Last evaluated: 2026-05-18. Review status: criteria provided, single submitter. Criteria: Ambry Variant Classification Scheme 2023. Collection method: clinical testing. Allele origin: germline.

Labcorp Genetics (formerly Invitae), Labcorp
Classification: Uncertain significance for Retinoblastoma. Last evaluated: 2025-08-20. Review status: criteria provided, single submitter. Criteria: Invitae Variant Classification Sherloc (09022015). Collection method: clinical testing. Allele origin: germline.
Comment: This sequence change replaces glutamic acid, which is acidic and polar, with glutamine, which is neutral and polar, at codon 79 of the RB1 protein (p.Glu79Gln). This variant is not present in population databases (gnomAD no frequency). This variant has not been reported in the literature in individuals affected with RB1-related conditions. ClinVar contains an entry for this variant (Variation ID: 410946). Invitae Evidence Modeling of protein sequence and biophysical properties (such as structural, functional, and spatial information, amino acid conservation, physicochemical variation, residue mobility, and thermodynamic stability) indicates that this missense variant is not expected to disrupt RB1 protein function with a negative predictive value of 80%. In summary, the available evidence is currently insufficient to determine the role of this variant in disease. Therefore, it has been classified as a Variant of Uncertain Significance.

GeneDx
Classification: Uncertain significance. Last evaluated: 2024-03-01. Review status: criteria provided, single submitter. Criteria: GeneDx Variant Classification Process June 2021. Collection method: clinical testing. Allele origin: germline. Affected: yes.
Comment: Not observed at significant frequency in large population cohorts (gnomAD); In silico analysis supports that this missense variant does not alter protein structure/function; Has not been previously published as pathogenic or benign to our knowledge; This variant is associated with the following publications: (PMID: 23516486)

Baylor Genetics
Classification: Uncertain significance for Malignant tumor of urinary bladder. Last evaluated: 2023-09-10. Review status: criteria provided, single submitter. Criteria: ACMG Guidelines, 2015. Collection method: clinical testing. Allele origin: unknown.

NM_000321.3(RB1):c.235G>C (p.Glu79Gln)

Gene: RB1 (RB transcriptional corepressor 1; plus strand). Cytogenetic location: 13q14.2.
Variant type: single nucleotide variant.
Coding change: c.235G>C on transcript NM_000321.3 (MANE Select); coding-DNA position 235, G replaced by C.
Protein change: p.Glu79Gln; replaces glutamic acid 79 with glutamine.
Molecular consequence: missense variant.
Genome position (GRCh38, 1-based): chr13:48,307,377, G>C. VCF-style: chr13-48307377-G-C. GRCh37 (hg19) VCF-style: chr13-48881513-G-C.
Other names: short protein forms E79Q.
Identifiers: ClinVar variation 410946 (VCV000410946.14), dbSNP rs1060503090, ClinGen allele CA16613996.
Genomic context (GRCh38, chr13:48,307,377, plus strand): 5'-GCATTATGTCAGAAATTAAAGATACCAGATCATGTCAGAGAGAGAGCTTGGTTAACTTGG[G>C]AGAAAGTTTCATCTGTGGATGGAGTATTGGTAAGGATTTTCTTAAAACGTTTTGAAATTT-3'
Protein context (NP_000312.2, residues 69-89): HVRERAWLTW[Glu79Gln]KVSSVDGVLG